The following is an entry in ClinVar:

ClinVar aggregate classification (germline): Uncertain significance (1 of 4 stars; one submission).

Submission:

Labcorp Genetics (formerly Invitae), Labcorp
Classification: Uncertain significance. Last evaluated: 2021-12-11. Review status: criteria provided, single submitter. Criteria: Invitae Variant Classification Sherloc (09022015). Collection method: clinical testing. Allele origin: germline.
Comment: This sequence change replaces methionine, which is neutral and non-polar, with isoleucine, which is neutral and non-polar, at codon 466 of the CACNA1D protein (p.Met466Ile). This variant is not present in population databases (gnomAD no frequency). This variant has not been reported in the literature in individuals affected with CACNA1D-related conditions. Algorithms developed to predict the effect of missense changes on protein structure and function (SIFT, PolyPhen-2, Align-GVGD) all suggest that this variant is likely to be tolerated. In summary, the available evidence is currently insufficient to determine the role of this variant in disease. Therefore, it has been classified as a Variant of Uncertain Significance.

NM_001128840.3(CACNA1D):c.1398G>C (p.Met466Ile)

Gene: CACNA1D (calcium voltage-gated channel subunit alpha1 D; plus strand). Cytogenetic location: 3p21.1.
Variant type: single nucleotide variant.
Coding change: c.1398G>C on transcript NM_001128840.3 (MANE Select); coding-DNA position 1398, G replaced by C.
Protein change: p.Met466Ile; replaces methionine 466 with isoleucine.
Molecular consequence: missense variant.
Genome position (GRCh38, 1-based): chr3:53,718,308, G>C. VCF-style: chr3-53718308-G-C. GRCh37 (hg19) VCF-style: chr3-53752335-G-C.
Other names: c.1398G>C, p.Met466Ile (NM_000720.4, NM_001128839.3); short protein forms M466I.
Identifiers: ClinVar variation 1397323 (VCV001397323.6), dbSNP rs2108681956, ClinGen allele CA353235905.